The following is an entry in ClinVar:

NM_032043.3(BRIP1):c.886G>A (p.Glu296Lys)

Gene: BRIP1 (BRCA1 interacting DNA helicase 1; minus strand). Cytogenetic location: 17q23.2.
Variant type: single nucleotide variant.
Coding change: c.886G>A on transcript NM_032043.3 (MANE Select); coding-DNA position 886, G replaced by A.
Protein change: p.Glu296Lys; replaces glutamic acid 296 with lysine.
Molecular consequence: missense variant.
Genome position (GRCh38, 1-based): chr17:61,808,499, C>T on the plus strand (G>A on the coding strand, the complement: BRIP1 is on the minus strand). VCF-style: chr17-61808499-C-T. GRCh37 (hg19) VCF-style: chr17-59885860-C-T.
Other names: short protein forms E296K.
Identifiers: ClinVar variation 648021 (VCV000648021.10), dbSNP rs876660125, ClinGen allele CA400484704.

ClinVar aggregate classification (germline): Uncertain significance. Review status: criteria provided, multiple submitters, no conflicts (2 of 4 stars). 2 submissions from 2 submitters: Uncertain significance (2). Last evaluated 2026-03-26.

Conditions:
Fanconi anemia complementation group J. Also called: BRIP1-Related Fanconi Anemia. Identifiers: Orphanet 84, MedGen C1836860, MONDO:0012187, OMIM 609054.
Familial cancer of breast. Also called: hereditary breast carcinoma; Hereditary breast cancer; BREAST CANCER, FAMILIAL. Identifiers: Orphanet 227535, MedGen C0346153, MONDO:0016419, OMIM 114480. Disease mechanism: loss of function.
Hereditary cancer-predisposing syndrome. Also called: Tumor predisposition; Hereditary Cancer Syndrome; Neoplastic Syndromes, Hereditary; Hereditary neoplastic syndrome. Identifiers: Orphanet 140162, MedGen C0027672, MeSH D009386, MONDO:0015356.

Allele frequency attached by ClinVar (database versions not stated): gnomAD exomes below 0.00001.
gnomAD v4.1: 3 of 1,613,782 alleles (0.00019%); highest among the groups gnomAD compares: Non-Finnish European, 0.00025%; no homozygotes.

Submissions (2):

Ambry Genetics
Classification: Uncertain significance for Hereditary cancer-predisposing syndrome. Last evaluated: 2026-03-26. Review status: criteria provided, single submitter. Criteria: Ambry Variant Classification Scheme 2023. Collection method: clinical testing. Allele origin: germline.
Comment: The p.E296K variant (also known as c.886G>A), located in coding exon 6 of the BRIP1 gene, results from a G to A substitution at nucleotide position 886. The glutamic acid at codon 296 is replaced by lysine, an amino acid with similar properties. This amino acid position is conserved. In addition, this alteration is predicted to be deleterious by in silico analysis. Based on the available evidence, the clinical significance of this variant remains unclear.

Labcorp Genetics (formerly Invitae), Labcorp
Classification: Uncertain significance for Familial cancer of breast; Fanconi anemia complementation group J. Last evaluated: 2024-03-18. Review status: criteria provided, single submitter. Criteria: Invitae Variant Classification Sherloc (09022015). Collection method: clinical testing. Allele origin: germline.
Comment: This sequence change replaces glutamic acid, which is acidic and polar, with lysine, which is basic and polar, at codon 296 of the BRIP1 protein (p.Glu296Lys). This variant is not present in population databases (gnomAD no frequency). This variant has not been reported in the literature in individuals affected with BRIP1-related conditions. ClinVar contains an entry for this variant (Variation ID: 648021). Advanced modeling of protein sequence and biophysical properties (such as structural, functional, and spatial information, amino acid conservation, physicochemical variation, residue mobility, and thermodynamic stability) performed at Invitae indicates that this missense variant is expected to disrupt BRIP1 protein function with a positive predictive value of 80%. In summary, the available evidence is currently insufficient to determine the role of this variant in disease. Therefore, it has been classified as a Variant of Uncertain Significance.